The following is an entry in ClinVar:

ClinVar aggregate classification (germline): Pathogenic (1 of 4 stars; one submission).

Conditions:
Blepharophimosis, ptosis, and epicanthus inversus syndrome. Identifiers: Orphanet 126, MedGen C0220663, MONDO:0007201, OMIM 110100.

Submission:

Genomic Diagnostic Laboratory, Division of Genomic Diagnostics, Children's Hospital of Philadelphia
Classification: Pathogenic for Blepharophimosis, ptosis, and epicanthus inversus syndrome. Last evaluated: 2016-11-03. Review status: criteria provided, single submitter. Criteria: DGD Variant Analysis Guidelines. Collection method: clinical testing. Allele origin: germline. Affected: yes. Observed: 1 variant allele.
Comment: Clinical Testing

NM_023067.4(FOXL2):c.674_695del (p.Ala225fs)

Gene: FOXL2 (forkhead box L2; minus strand). Cytogenetic location: 3q22.3.
Variant type: Deletion.
Coding change: c.674_695del on transcript NM_023067.4 (MANE Select); coding-DNA positions 674 to 695, 22 bases deleted (CGGCTGCAGCAGCTGCGGCTGC).
Protein change: p.Ala225fs; shifts the reading frame from alanine 225.
Molecular consequence: frameshift variant.
Genome position (GRCh38, 1-based): chr3:138,946,028-138,946,049, GCAGCCGCAGCTGCTGCAGCCG deleted on the plus strand (CGGCTGCAGCAGCTGCGGCTGC on the coding strand, the reverse complement: FOXL2 is on the minus strand). VCF-style (leftmost placement, unchanged base first): chr3-138946027-TGCAGCCGCAGCTGCTGCAGCCG-T. GRCh37 (hg19) VCF-style: chr3-138664869-TGCAGCCGCAGCTGCTGCAGCCG-T.
Other names: short protein forms A225fs.
Identifiers: ClinVar variation 369924 (VCV000369924.1), dbSNP rs1057516172, ClinGen allele CA10654870.